The following is an entry in ClinVar:

ClinVar aggregate classification (germline): Uncertain significance. Review status: criteria provided, multiple submitters, no conflicts (2 of 4 stars). 2 submissions from 2 submitters: Uncertain significance (2). Last evaluated 2026-01-08.

Allele frequency attached by ClinVar (database versions not stated): gnomAD 0.00014 and 0.00015; ESP Exome Variant Server 0.00015; TOPMed 0.00015; ExAC 0.00028; gnomAD exomes 0.00029; 1000 Genomes Project 0.00040; 1000 Genomes Project 30x 0.00062.
gnomAD v4.1: 409 of 1,613,368 alleles (0.025%); highest among the groups gnomAD compares: Middle Eastern, 0.18%; 2 homozygotes.

Submissions (2):

Labcorp Genetics (formerly Invitae), Labcorp
Classification: Uncertain significance. Last evaluated: 2026-01-08. Review status: criteria provided, single submitter. Criteria: Invitae Variant Classification Sherloc (09022015). Collection method: clinical testing. Allele origin: germline.
Comment: This sequence change replaces glycine, which is neutral and non-polar, with glutamic acid, which is acidic and polar, at codon 273 of the MSMO1 protein (p.Gly273Glu). This variant is present in population databases (rs139920569, gnomAD 0.1%). This variant has not been reported in the literature in individuals affected with MSMO1-related conditions. ClinVar contains an entry for this variant (Variation ID: 1415224). Invitae Evidence Modeling of protein sequence and biophysical properties (such as structural, functional, and spatial information, amino acid conservation, physicochemical variation, residue mobility, and thermodynamic stability) indicates that this missense variant is not expected to disrupt MSMO1 protein function with a negative predictive value of 80%. In summary, the available evidence is currently insufficient to determine the role of this variant in disease. Therefore, it has been classified as a Variant of Uncertain Significance.

Breakthrough Genomics
Classification: Uncertain significance. Review status: criteria provided, single submitter. Criteria: ACMG Guidelines, 2015. Collection method: not provided. Allele origin: germline. Inheritance: Autosomal recessive inheritance. Affected: yes.

NM_006745.5(MSMO1):c.818G>A (p.Gly273Glu)

Gene: MSMO1 (methylsterol monooxygenase 1; plus strand). Cytogenetic location: 4q32.3.
Variant type: single nucleotide variant.
Coding change: c.818G>A on transcript NM_006745.5 (MANE Select); coding-DNA position 818, G replaced by A.
Protein change: p.Gly273Glu; replaces glycine 273 with glutamic acid.
Molecular consequence: missense variant.
Genome position (GRCh38, 1-based): chr4:165,341,882, G>A. VCF-style: chr4-165341882-G-A. GRCh37 (hg19) VCF-style: chr4-166263034-G-A.
Other names: c.425G>A, p.Gly142Glu (NM_001017369.3); short protein forms G273E, G142E.
Identifiers: ClinVar variation 1415224 (VCV001415224.7), dbSNP rs139920569, ClinGen allele CA3130052.